The following is an entry in ClinVar:

NM_006648.4(WNK2):c.4832C>T (p.Ala1611Val)

Gene: WNK2 (WNK lysine deficient protein kinase 2; plus strand). Cytogenetic location: 9q22.31.
Variant type: single nucleotide variant.
Coding change: c.4832C>T on transcript NM_006648.4 (MANE Select); coding-DNA position 4832, C replaced by T.
Protein change: p.Ala1611Val; replaces alanine 1611 with valine.
Molecular consequence: missense variant.
Genome position (GRCh38, 1-based): chr9:93,289,586, C>T. VCF-style: chr9-93289586-C-T. GRCh37 (hg19) VCF-style: chr9-96051868-C-T.
Other names: c.4943C>T, p.Ala1648Val (NM_001282394.3); short protein forms A1611V, A1648V.
Identifiers: ClinVar variation 2280301 (VCV002280301.4), dbSNP rs377198058, ClinGen allele CA5130408.

ClinVar aggregate classification (germline): Uncertain significance (1 of 4 stars; one submission).

Allele frequency attached by ClinVar (database versions not stated): gnomAD exomes 0.00001; TOPMed 0.00003; ExAC 0.00004; gnomAD 0.00004.
gnomAD v4.1: 26 of 1,511,438 alleles (0.0017%); highest among the groups gnomAD compares: African/African-American, 0.017%; no homozygotes.

Submission:

Ambry Genetics
Classification: Uncertain significance. Last evaluated: 2024-10-05. Review status: criteria provided, single submitter. Criteria: Ambry Variant Classification Scheme 2023. Collection method: clinical testing. Allele origin: germline.
Comment: The p.A1611V variant (also known as c.4832C>T), located in coding exon 19 of the WNK2 gene, results from a C to T substitution at nucleotide position 4832. The alanine at codon 1611 is replaced by valine, an amino acid with similar properties. This amino acid position is conserved. In addition, this alteration is predicted to be tolerated by in silico analysis. Based on the available evidence, the clinical significance of this variant remains unclear.